The following is an entry in ClinVar:

ClinVar aggregate classification (germline): Uncertain significance (1 of 4 stars; one submission).

Submission:

GeneDx
Classification: Uncertain significance. Last evaluated: 2025-04-02. Review status: criteria provided, single submitter. Criteria: GeneDx Variant Classification Process June 2021. Collection method: clinical testing. Allele origin: germline. Affected: yes.
Comment: Not observed at significant frequency in large population cohorts (gnomAD); In silico analysis indicates that this missense variant does not alter protein structure/function; Has not been previously published as pathogenic or benign to our knowledge

NM_004640.7(DDX39B):c.85G>A (p.Ala29Thr)

Genes: ATP6V1G2-DDX39B (ATP6V1G2-DDX39B readthrough (NMD candidate); minus strand), DDX39B (DExD-box helicase 39B; minus strand). Cytogenetic location: 6p21.33.
Variant type: single nucleotide variant.
Coding change: c.85G>A on transcript NM_004640.7 (MANE Select); coding-DNA position 85, G replaced by A.
Protein change: p.Ala29Thr; replaces alanine 29 with threonine.
Molecular consequence: missense variant. On other transcripts: non-coding transcript variant (2).
Genome position (GRCh38, 1-based): chr6:31,540,448, C>T on the plus strand (G>A on the coding strand, the complement: DDX39B is on the minus strand). VCF-style: chr6-31540448-C-T. GRCh37 (hg19) VCF-style: chr6-31508225-C-T.
Other names: c.85G>A, p.Ala29Thr (NM_080598.6); short protein forms A29T.
Identifiers: ClinVar variation 4278663 (VCV004278663.1).